The following is an entry in ClinVar:

NM_148963.4(GPRC6A):c.945T>C (p.Pro315=)

Gene: GPRC6A (G protein-coupled receptor class C group 6 member A; minus strand). Cytogenetic location: 6q22.1.
Variant type: single nucleotide variant.
Coding change: c.945T>C on transcript NM_148963.4 (MANE Select); coding-DNA position 945, T replaced by C.
Protein change: p.Pro315=; no amino-acid change (proline 315 retained).
Molecular consequence: synonymous variant. On other transcripts: intron variant (1).
Genome position (GRCh38, 1-based): chr6:116,806,760, A>G on the plus strand (T>C on the coding strand, the complement: GPRC6A is on the minus strand). VCF-style: chr6-116806760-A-G. GRCh37 (hg19) VCF-style: chr6-117127923-A-G.
Other names: c.945T>C, p.Pro315= (NM_001286355.2); c.810+135T>C (NM_001286354.1).
Identifiers: ClinVar variation 2656868 (VCV002656868.24), dbSNP rs145960158, ClinGen allele CA3972688.
Genomic context (GRCh38, chr6:116,806,760, plus strand): 5'-AGAGGATATATTCCCTCTTCTAAAGGCAAACCCTACAACTTTGCCAATCTTTTTAACATT[A>G]GGAATGGTGGTAATCTTGGTGGCAGTTGACCAATTATCACTAGCAATCCACATCTTATTT-3'
Protein context (NP_683766.2, residues 305-325): WSTATKITTI[Pro315=]NVKKIGKVVG

ClinVar aggregate classification (germline): Likely benign (1 of 4 stars; one submission).

Allele frequency attached by ClinVar (database versions not stated): gnomAD 0.00001; ExAC 0.00002; 1000 Genomes Project 30x 0.00031; TOPMed 0.00001; gnomAD exomes 0.00002; 1000 Genomes Project 0.00040.
gnomAD v4.1: 26 of 1,613,748 alleles (0.0016%); highest among the groups gnomAD compares: Middle Eastern, 0.033%; no homozygotes.

Submission:

CeGaT Center for Human Genetics Tuebingen
Classification: Likely benign. Last evaluated: 2022-09-01. Review status: criteria provided, single submitter. Criteria: CeGaT Center For Human Genetics Tuebingen Variant Classification Criteria Version 2. Collection method: clinical testing. Allele origin: germline. Affected: yes. Observed: 1 variant allele.
Comment: GPRC6A: BP4, BP7